The following is an entry in ClinVar:

NM_000393.5(COL5A2):c.3084A>C (p.Lys1028Asn)

Gene: COL5A2 (collagen type V alpha 2 chain; minus strand). Cytogenetic location: 2q32.2.
Variant type: single nucleotide variant.
Coding change: c.3084A>C on transcript NM_000393.5 (MANE Select); coding-DNA position 3084, A replaced by C.
Protein change: p.Lys1028Asn; replaces lysine 1028 with asparagine.
Molecular consequence: missense variant.
Genome position (GRCh38, 1-based): chr2:189,049,410, T>G on the plus strand (A>C on the coding strand, the complement: COL5A2 is on the minus strand). VCF-style: chr2-189049410-T-G. GRCh37 (hg19) VCF-style: chr2-189914136-T-G.
Other names: short protein forms K1028N.
Identifiers: ClinVar variation 1444394 (VCV001444394.9), dbSNP rs774936724, ClinGen allele CA349865684.

ClinVar aggregate classification (germline): Uncertain significance (1 of 4 stars; one submission).

Conditions:
Ehlers-Danlos syndrome, classic type, 1 (EDSCL1). Also called: EHLERS-DANLOS SYNDROME, GRAVIS TYPE; EHLERS-DANLOS SYNDROME, SEVERE CLASSIC TYPE; Ehlers-Danlos syndrome, type 1; Ehlers-Danlos Syndrome, Classic Type, COL5A1-Related; EDS I. Identifiers: MedGen C0268335, MONDO:0019567, OMIM 130000.

gnomAD v4.1: 7 of 1,613,574 alleles (0.00043%); highest among the groups gnomAD compares: Admixed American, 0.012%; no homozygotes.

Submission:

Labcorp Genetics (formerly Invitae), Labcorp
Classification: Uncertain significance for Ehlers-Danlos syndrome, classic type, 1. Last evaluated: 2020-12-31. Review status: criteria provided, single submitter. Criteria: Invitae Variant Classification Sherloc (09022015). Collection method: clinical testing. Allele origin: germline.
Comment: In summary, the available evidence is currently insufficient to determine the role of this variant in disease. Therefore, it has been classified as a Variant of Uncertain Significance. Advanced modeling of protein sequence and biophysical properties (such as structural, functional, and spatial information, amino acid conservation, physicochemical variation, residue mobility, and thermodynamic stability) performed at Invitae indicates that this missense variant is not expected to disrupt COL5A2 protein function. This variant has not been reported in the literature in individuals with COL5A2-related conditions. This variant is not present in population databases (ExAC no frequency). This sequence change replaces lysine with asparagine at codon 1028 of the COL5A2 protein (p.Lys1028Asn). The lysine residue is highly conserved and there is a moderate physicochemical difference between lysine and asparagine.